The following is an entry in ClinVar:

ClinVar aggregate classification (germline): Conflicting classifications of pathogenicity. Review status: criteria provided, conflicting classifications (1 of 4 stars). 9 submissions from 9 submitters: Uncertain significance (6); Likely benign (3). Last evaluated 2026-06-22.

Conditions:
RB1-related disorder. Also called: RB1-related condition.
Hereditary cancer-predisposing syndrome. Also called: Hereditary neoplastic syndrome; Neoplastic Syndromes, Hereditary; Hereditary Cancer Syndrome; Tumor predisposition. Identifiers: Orphanet 140162, MedGen C0027672, MeSH D009386, MONDO:0015356.
Retinoblastoma (RB1). Also called: RETINOBLASTOMA, SOMATIC. Identifiers: Orphanet 790, MedGen C0035335, MeSH D012175, MONDO:0008380, OMIM 180200, HP:0009919. Disease mechanism: loss of function. Inheritance: Both sporadic and heritable forms are tested..

Allele frequency attached by ClinVar (database versions not stated): gnomAD 0.00002; TOPMed 0.00002; ESP Exome Variant Server 0.00008; ExAC 0.00001; gnomAD exomes 0.00002.
gnomAD v4.1: 53 of 1,561,456 alleles (0.0034%); highest among the groups gnomAD compares: Non-Finnish European, 0.0041%; no homozygotes.

Submissions (9):

Myriad Genetics, Inc.
Classification: Likely benign for Retinoblastoma. Last evaluated: 2026-06-22. Review status: criteria provided, single submitter. Criteria: Myriad Autosomal Dominant, Autosomal Recessive and X-Linked Classification Criteria (2023). Collection method: clinical testing. Allele origin: unknown.
Comment: This variant is considered likely benign. This variant has been observed at a population frequency that is significantly greater than expected given the associated disease prevalence and penetrance.

Labcorp Genetics (formerly Invitae), Labcorp
Classification: Likely benign for Retinoblastoma. Last evaluated: 2026-01-19. Review status: criteria provided, single submitter. Criteria: Invitae Variant Classification Sherloc (09022015). Collection method: clinical testing. Allele origin: germline.

All of Us Research Program, National Institutes of Health
Classification: Uncertain significance for Retinoblastoma. Last evaluated: 2024-07-29. Review status: criteria provided, single submitter. Criteria: ACMG Guidelines, 2015. Collection method: clinical testing. Allele origin: germline. Inheritance: Autosomal dominant inheritance. Observed: 7 variant alleles, 7 heterozygotes.
Comment: This missense variant replaces glycine with arginine at codon 840 of the RB1 protein. Computational prediction suggests that this variant may have deleterious impact on protein structure and function (internally defined REVEL score threshold >= 0.7, PMID: 27666373). To our knowledge, functional studies have not been reported for this variant. This variant has not been reported in individuals affected with RB1-related disorders in the literature. This variant has been identified in 6/250396 chromosomes in the general population by the Genome Aggregation Database (gnomAD). The available evidence is insufficient to determine the role of this variant in disease conclusively. Therefore, this variant is classified as a Variant of Uncertain Significance.

This study involves interpretation of variants in research participants for the purpose of population health screening. Participant phenotype was not available at the time of variant classification. Additional details can be found in publication PMID: 35346344, PMCID: PMC8962531

Color Diagnostics, LLC DBA Color Health
Classification: Uncertain significance for Retinoblastoma. Last evaluated: 2024-04-24. Review status: criteria provided, single submitter. Criteria: ACMG Guidelines, 2015. Collection method: clinical testing. Allele origin: germline.
Comment: This missense variant replaces glycine with arginine at codon 840 of the RB1 protein. Computational prediction suggests that this variant may have deleterious impact on protein structure and function. To our knowledge, functional studies have not been reported for this variant. This variant has not been reported in individuals affected with RB1-related disorders in the literature. This variant has been identified in 6/250396 chromosomes in the general population by the Genome Aggregation Database (gnomAD). The available evidence is insufficient to determine the role of this variant in disease conclusively. Therefore, this variant is classified as a Variant of Uncertain Significance.

St. Jude Molecular Pathology, St. Jude Children's Research Hospital
Classification: Uncertain significance for Retinoblastoma. Last evaluated: 2024-04-07. Review status: criteria provided, single submitter. Criteria: St. Jude Assertion Criteria 2020. Collection method: clinical testing. Allele origin: germline.
Comment: The RB1 c.2518G>A (p.Gly840Arg) missense change has a maximum subpopulation frequency of 0.004% in gnomAD v2.1.1. The in silico tool REVEL predicts a deleterious effect on protein function, but to our knowledge this prediction has not been confirmed by functional studies. To our knowledge, this variant has not been reported in individuals with retinoblastoma. In summary, the evidence currently available is insufficient to determine the clinical significance of this variant. It has therefore been classified as of uncertain significance.

PreventionGenetics, part of Exact Sciences
Classification: Uncertain significance for RB1-related condition. Last evaluated: 2022-10-26. Review status: criteria provided, single submitter. Criteria: ACMG Guidelines, 2015. Collection method: clinical testing. Allele origin: germline.
Comment: The RB1 c.2518G>A variant is predicted to result in the amino acid substitution p.Gly840Arg. To our knowledge, this variant has not been reported as a germline variant in an individual with RB1-related disease. It has been reported as a somatic variant in an individual with metastatic breast cancer; however, this individual also had a pathogenic somatic variant in BRCA2 (Schwartzberg and Kiedrowski. 2021. PubMed ID: 33868464). This variant is reported in 0.0044% of alleles in individuals of European (Non-Finnish) descent in gnomAD and has conflicting interpretations in ClinVar of likely benign and uncertain. At this time, the clinical significance of this variant is uncertain due to the absence of conclusive functional and genetic evidence.

Sema4
Classification: Uncertain significance for Hereditary cancer-predisposing syndrome. Last evaluated: 2021-11-15. Review status: criteria provided, single submitter. Criteria: Sema4 Curation Guidelines. Collection method: curation. Allele origin: germline.
Comment: To the best of our knowledge, the RB1 c.2518G>A (p.G840R) variant has not been reported in individuals with RB1-related disease. It was observed in 5/113302 chromosomes of the Non-Finnish European subpopulation in the large and broad cohorts of the Genome Aggregation Database (PMID: 32461654). The variant has been reported in ClinVar (Variation ID 237670). In silico tools suggest the impact of the variant on protein function is deleterious, though these predictions have not been confirmed by functional studies. The evidence is insufficient to meet ACMG/AMP criteria for classifying the variant as benign or pathogenic. Thus, the clinical significance of this variant is currently uncertain.

Ambry Genetics
Classification: Likely benign for Hereditary cancer-predisposing syndrome. Last evaluated: 2021-09-02. Review status: criteria provided, single submitter. Criteria: Ambry Variant Classification Scheme 2023. Collection method: clinical testing. Allele origin: germline.

Mendelics
Classification: Uncertain significance for Retinoblastoma. Last evaluated: 2018-07-02. Review status: criteria provided, single submitter. Criteria: Mendelics Assertion Criteria 2017. Collection method: clinical testing. Allele origin: unknown.

NM_000321.3(RB1):c.2518G>A (p.Gly840Arg)

Gene: RB1 (RB transcriptional corepressor 1; plus strand). Cytogenetic location: 13q14.2.
Variant type: single nucleotide variant.
Coding change: c.2518G>A on transcript NM_000321.3 (MANE Select); coding-DNA position 2518, G replaced by A.
Protein change: p.Gly840Arg; replaces glycine 840 with arginine.
Molecular consequence: missense variant.
Genome position (GRCh38, 1-based): chr13:48,473,388, G>A. VCF-style: chr13-48473388-G-A. GRCh37 (hg19) VCF-style: chr13-49047524-G-A.
Other names: short protein forms G840R.
Identifiers: ClinVar variation 237670 (VCV000237670.24), dbSNP rs374157786, ClinGen allele CA035961.